The following is an entry in ClinVar:

NM_016648.4(LARP7):c.1495A>T (p.Thr499Ser)

Gene: LARP7 (La ribonucleoprotein 7, transcriptional regulator; plus strand). Cytogenetic location: 4q25.
Variant type: single nucleotide variant.
Coding change: c.1495A>T on transcript NM_016648.4 (MANE Select); coding-DNA position 1495, A replaced by T.
Protein change: p.Thr499Ser; replaces threonine 499 with serine.
Molecular consequence: missense variant.
Genome position (GRCh38, 1-based): chr4:112,653,155, A>T. VCF-style: chr4-112653155-A-T. GRCh37 (hg19) VCF-style: chr4-113574311-A-T.
Other names: c.1495A>T, p.Thr499Ser (NM_001267039.4, NM_001370978.1, NM_015454.3); c.1534A>T, p.Thr512Ser (NM_001370974.1, NM_001370975.1); c.1531A>T, p.Thr511Ser (NM_001370976.1, NM_001370977.1); c.1492A>T, p.Thr498Ser (NM_001370979.1, NM_001370980.1); c.1258A>T, p.Thr420Ser (NM_001370981.1, NM_001370982.1); short protein forms T499S, T420S, T498S, T512S, T511S.
Identifiers: ClinVar variation 1469507 (VCV001469507.8), dbSNP rs1560950271, ClinGen allele CA357931629.

ClinVar aggregate classification (germline): Uncertain significance (1 of 4 stars; one submission).

Allele frequency attached by ClinVar (database versions not stated): gnomAD exomes below 0.00001.
gnomAD v4.1: 2 of 1,610,398 alleles (0.00012%); highest among the groups gnomAD compares: Non-Finnish European, 0.00017%; no homozygotes.

Submission:

Labcorp Genetics (formerly Invitae), Labcorp
Classification: Uncertain significance. Last evaluated: 2022-06-13. Review status: criteria provided, single submitter. Criteria: Invitae Variant Classification Sherloc (09022015). Collection method: clinical testing. Allele origin: germline.
Comment: In summary, the available evidence is currently insufficient to determine the role of this variant in disease. Therefore, it has been classified as a Variant of Uncertain Significance. Algorithms developed to predict the effect of missense changes on protein structure and function output the following: SIFT: "Tolerated"; PolyPhen-2: "Benign"; Align-GVGD: "Class C0". The serine amino acid residue is found in multiple mammalian species, which suggests that this missense change does not adversely affect protein function. This variant has not been reported in the literature in individuals affected with LARP7-related conditions. This variant is present in population databases (no rsID available, gnomAD 0.0009%). This sequence change replaces threonine, which is neutral and polar, with serine, which is neutral and polar, at codon 499 of the LARP7 protein (p.Thr499Ser).